The following is an entry in ClinVar:

ClinVar aggregate classification (germline): Uncertain significance (1 of 4 stars; one submission).

Submission:

GeneDx
Classification: Uncertain significance. Last evaluated: 2025-07-29. Review status: criteria provided, single submitter. Criteria: GeneDx Variant Classification Process June 2021. Collection method: clinical testing. Allele origin: germline. Affected: yes.
Comment: Not observed at significant frequency in large population cohorts (gnomAD); In silico analysis supports that this missense variant has a deleterious effect on protein structure/function; Has not been previously published as pathogenic or benign to our knowledge

NM_001080421.3(UNC13A):c.3767T>C (p.Met1256Thr)

Gene: UNC13A (unc-13 homolog A; minus strand). Cytogenetic location: 19p13.11.
Variant type: single nucleotide variant.
Coding change: c.3767T>C on transcript NM_001080421.3 (MANE Select); coding-DNA position 3767, T replaced by C.
Protein change: p.Met1256Thr; replaces methionine 1256 with threonine.
Molecular consequence: missense variant.
Genome position (GRCh38, 1-based): chr19:17,627,927, A>G on the plus strand (T>C on the coding strand, the complement: UNC13A is on the minus strand). VCF-style: chr19-17627927-A-G. GRCh37 (hg19) VCF-style: chr19-17738736-A-G.
Other names: c.3761T>C, p.Met1254Thr (NM_001387021.1, NM_001387023.1); c.3758T>C, p.Met1253Thr (NM_001387022.1); short protein forms M1253T, M1254T, M1256T.
Identifiers: ClinVar variation 4690165 (VCV004690165.1).